The following is an entry in ClinVar:

ClinVar aggregate classification (germline): Uncertain significance. Review status: criteria provided, single submitter (1 of 4 stars). 2 submissions from 2 submitters: Uncertain significance (1). 1 of the submissions does not count toward it. Last evaluated 2021-08-24.

Conditions:
Familial Mediterranean fever (FMF). Also called: POLYSEROSITIS, FAMILIAL PAROXYSMAL; POLYSEROSITIS, RECURRENT; Periodic peritonitis; Benign paroxysmal peritonitis. Identifiers: Orphanet 342, MedGen C0031069, MONDO:0018088, OMIM 249100. Disease mechanism: gain of function.

Allele frequency attached by ClinVar (database versions not stated): gnomAD exomes below 0.00001; gnomAD 0.00001.

Submissions (2):

Labcorp Genetics (formerly Invitae), Labcorp
Classification: Uncertain significance for Familial Mediterranean fever. Last evaluated: 2021-08-24. Review status: criteria provided, single submitter. Criteria: Invitae Variant Classification Sherloc (09022015). Collection method: clinical testing. Allele origin: germline.
Comment: This sequence change replaces threonine with alanine at codon 101 of the MEFV protein (p.Thr101Ala). The threonine residue is weakly conserved and there is a small physicochemical difference between threonine and alanine. This variant is not present in population databases (ExAC no frequency). This variant has not been reported in the literature in individuals affected with MEFV-related conditions. Algorithms developed to predict the effect of missense changes on protein structure and function output the following: SIFT: "Tolerated"; PolyPhen-2: "Benign"; Align-GVGD: "Class C0". The alanine amino acid residue is found in multiple mammalian species, which suggests that this missense change does not adversely affect protein function. In summary, the available evidence is currently insufficient to determine the role of this variant in disease. Therefore, it has been classified as a Variant of Uncertain Significance.

Natera, Inc.
Classification: Uncertain significance for Familial Mediterranean fever. Last evaluated: 2021-10-05. Review status: no assertion criteria provided. Collection method: clinical testing. Allele origin: germline. Not counted in ClinVar's aggregate classification.

NM_000243.3(MEFV):c.301A>G (p.Thr101Ala)

Gene: MEFV (MEFV innate immunity regulator, pyrin; minus strand). Cytogenetic location: 16p13.3.
Variant type: single nucleotide variant.
Coding change: c.301A>G on transcript NM_000243.3 (MANE Select); coding-DNA position 301, A replaced by G.
Protein change: p.Thr101Ala; replaces threonine 101 with alanine.
Molecular consequence: missense variant. On other transcripts: intron variant (1).
Genome position (GRCh38, 1-based): chr16:3,254,767, T>C on the plus strand (A>G on the coding strand, the complement: MEFV is on the minus strand). VCF-style: chr16-3254767-T-C. GRCh37 (hg19) VCF-style: chr16-3304767-T-C.
Other names: c.277+1544A>G (NM_001198536.2); short protein forms T101A.
Identifiers: ClinVar variation 1044650 (VCV001044650.6), dbSNP rs1342717419, ClinGen allele CA394482671.
Genomic context (GRCh38, chr16:3,254,767, plus strand): 5'-GAGTCTTCAGGCTCCTGGGCTTGTTCTCCCCCAGGGAGCTGGACGCTGCGGAATCATCTG[T>C]GCCGTTTTCTTGTGTGGAATATTCTGGAAGGACAACCAGATGCAAAATGATGAAGCTGTC-3'
Protein context (NP_000234.1, residues 91-111): IQEYSTQENG[Thr101Ala]DDSAASSSLG